The following is an entry in ClinVar:

ClinVar aggregate classification (germline): Uncertain significance. Review status: criteria provided, multiple submitters, no conflicts (2 of 4 stars). 3 submissions from 3 submitters: Uncertain significance (3). Last evaluated 2025-09-05.

Conditions:
Arrhythmogenic right ventricular dysplasia 8 (ARVD8). Also called: Arrhythmogenic Right Ventricular Dysplasia/Cardiomyopathy 8; ARRHYTHMOGENIC RIGHT VENTRICULAR CARDIOMYOPATHY 8; ARRHYTHMOGENIC RIGHT VENTRICULAR DYSPLASIA, FAMILIAL, 8. Identifiers: MedGen C1843896, MONDO:0011831, OMIM 607450.
Arrhythmogenic cardiomyopathy with wooly hair and keratoderma. Also called: Dilated cardiomyopathy with woolly hair and keratoderma; Arrhythmogenic cardiomyopathy with woolly hair and keratoderma; PALMOPLANTAR KERATODERMA WITH LEFT VENTRICULAR CARDIOMYOPATHY AND WOOLLY HAIR; Carvajal syndrome. Identifiers: Orphanet 65282, MedGen C1854063, MONDO:0011581, OMIM 605676.
Cardiomyopathy (CMYO). Also called: Cardiomyopathies. Identifiers: Orphanet 167848, MedGen C0878544, MONDO:0004994, HP:0001638. Inheritance: Various modes of inheritance.

Allele frequency attached by ClinVar (database versions not stated): gnomAD exomes below 0.00001.

Submissions (3):

Color Diagnostics, LLC DBA Color Health
Classification: Uncertain significance for Cardiomyopathy. Last evaluated: 2025-09-05. Review status: criteria provided, single submitter. Criteria: ACMG Guidelines, 2015. Collection method: clinical testing. Allele origin: germline.
Comment: This missense variant replaces asparagine with serine at codon 2423 of the DSP protein. Computational prediction suggests that this variant may not impact protein structure and function. To our knowledge, functional studies have not been reported for this variant. This variant has not been reported in individuals affected with DSP-related disorders in the literature. This variant has been identified in 2/251210 chromosomes in the general population by the Genome Aggregation Database (gnomAD). The available evidence is insufficient to determine the role of this variant in disease conclusively. Therefore, this variant is classified as a Variant of Uncertain Significance.

Blueprint Genetics
Classification: Uncertain significance. Last evaluated: 2024-02-27. Review status: criteria provided, single submitter. Criteria: ACMG Guidelines, 2015. Collection method: clinical testing. Allele origin: germline.

Labcorp Genetics (formerly Invitae), Labcorp
Classification: Uncertain significance for Arrhythmogenic cardiomyopathy with wooly hair and keratoderma; Arrhythmogenic right ventricular dysplasia 8. Last evaluated: 2023-09-08. Review status: criteria provided, single submitter. Criteria: Invitae Variant Classification Sherloc (09022015). Collection method: clinical testing. Allele origin: germline.
Comment: ClinVar contains an entry for this variant (Variation ID: 2194791). In summary, the available evidence is currently insufficient to determine the role of this variant in disease. Therefore, it has been classified as a Variant of Uncertain Significance. An algorithm developed to predict the effect of missense changes on protein structure and function (PolyPhen-2) suggests that this variant is likely to be disruptive. This variant has not been reported in the literature in individuals affected with DSP-related conditions. This variant is present in population databases (no rsID available, gnomAD 0.0009%). This sequence change replaces asparagine, which is neutral and polar, with serine, which is neutral and polar, at codon 2423 of the DSP protein (p.Asn2423Ser).

NM_004415.4(DSP):c.7268A>G (p.Asn2423Ser)

Gene: DSP (desmoplakin; plus strand). Cytogenetic location: 6p24.3.
Variant type: single nucleotide variant.
Coding change: c.7268A>G on transcript NM_004415.4 (MANE Select); coding-DNA position 7268, A replaced by G.
Protein change: p.Asn2423Ser; replaces asparagine 2423 with serine.
Molecular consequence: missense variant.
Genome position (GRCh38, 1-based): chr6:7,584,530, A>G. VCF-style: chr6-7584530-A-G. GRCh37 (hg19) VCF-style: chr6-7584763-A-G.
Other names: c.5471A>G, p.Asn1824Ser (NM_001008844.3); c.5939A>G, p.Asn1980Ser (NM_001319034.2); short protein forms N1824S, N1980S, N2423S.
Identifiers: ClinVar variation 2194791 (VCV002194791.6), dbSNP rs1464853079, ClinGen allele CA362692623.